The following is an entry in ClinVar:

NM_030662.4(MAP2K2):c.157C>T (p.Arg53Trp)

Gene: MAP2K2 (mitogen-activated protein kinase kinase 2; minus strand). Cytogenetic location: 19p13.3.
Variant type: single nucleotide variant.
Coding change: c.157C>T on transcript NM_030662.4 (MANE Select); coding-DNA position 157, C replaced by T.
Protein change: p.Arg53Trp; replaces arginine 53 with tryptophan.
Molecular consequence: missense variant.
Genome position (GRCh38, 1-based): chr19:4,117,565, G>A on the plus strand (C>T on the coding strand, the complement: MAP2K2 is on the minus strand). VCF-style: chr19-4117565-G-A. GRCh37 (hg19) VCF-style: chr19-4117563-G-A.
Other names: short protein forms R53W.
Identifiers: ClinVar variation 2778156 (VCV002778156.4), dbSNP rs762146075, ClinGen allele CA9091084.

ClinVar aggregate classification (germline): Uncertain significance. Review status: criteria provided, multiple submitters, no conflicts (2 of 4 stars). 2 submissions from 2 submitters: Uncertain significance (2). Last evaluated 2026-04-06.

Conditions:
RASopathy. Also called: rasopathies; Noonan spectrum disorder. Identifiers: Orphanet 536391, MedGen C5555857, MONDO:0021060.

Allele frequency attached by ClinVar (database versions not stated): gnomAD exomes below 0.00001; ExAC 0.00002.
gnomAD v4.1: 8 of 1,614,144 alleles (0.0005%); highest among the groups gnomAD compares: Admixed American, 0.0017%; no homozygotes.

Submissions (2):

Women's Health and Genetics/Laboratory Corporation of America, LabCorp
Classification: Uncertain significance. Last evaluated: 2026-04-06. Review status: criteria provided, single submitter. Criteria: LabCorp Variant Classification Summary - May 2015. Collection method: clinical testing. Allele origin: germline.
Comment: Variant summary: MAP2K2 c.157C>T (p.Arg53Trp) results in a non-conservative amino acid change in the encoded protein sequence. Algorithms developed to predict the effect of missense changes on protein structure and function all suggest that this variant is likely to be disruptive. The variant allele was found at a frequency of 1.6e-05 in 251414 control chromosomes. The available data on variant occurrences in the general population are insufficient to allow any conclusion about variant significance. To our knowledge, no occurrence of c.157C>T in individuals affected with MAP2K2-related conditions and no experimental evidence demonstrating its impact on protein function have been reported. ClinVar contains an entry for this variant (Variation ID: 2778156). Based on the evidence outlined above, the variant was classified as uncertain significance.

Labcorp Genetics (formerly Invitae), Labcorp
Classification: Uncertain significance for RASopathy. Last evaluated: 2025-06-29. Review status: criteria provided, single submitter. Criteria: Invitae Variant Classification Sherloc (09022015). Collection method: clinical testing. Allele origin: germline.
Comment: This sequence change replaces arginine, which is basic and polar, with tryptophan, which is neutral and slightly polar, at codon 53 of the MAP2K2 protein (p.Arg53Trp). This variant is present in population databases (rs762146075, gnomAD 0.003%). This variant has not been reported in the literature in individuals affected with MAP2K2-related conditions. ClinVar contains an entry for this variant (Variation ID: 2778156). Invitae Evidence Modeling of protein sequence and biophysical properties (such as structural, functional, and spatial information, amino acid conservation, physicochemical variation, residue mobility, and thermodynamic stability) indicates that this missense variant is expected to disrupt MAP2K2 protein function with a positive predictive value of 80%. In summary, the available evidence is currently insufficient to determine the role of this variant in disease. Therefore, it has been classified as a Variant of Uncertain Significance.